The following is an entry in ClinVar:

NM_019842.4(KCNQ5):c.560G>A (p.Arg187Gln)

Gene: KCNQ5 (potassium voltage-gated channel subfamily Q member 5; plus strand). Cytogenetic location: 6q13.
Variant type: single nucleotide variant.
Coding change: c.560G>A on transcript NM_019842.4 (MANE Select); coding-DNA position 560, G replaced by A.
Protein change: p.Arg187Gln; replaces arginine 187 with glutamine.
Molecular consequence: missense variant.
Genome position (GRCh38, 1-based): chr6:73,042,006, G>A. VCF-style: chr6-73042006-G-A. GRCh37 (hg19) VCF-style: chr6-73751729-G-A.
Other names: c.560G>A, p.Arg187Gln (NM_001160130.2, NM_001160132.2, NM_001160133.2 and 1 more transcripts); short protein forms R187Q.
Identifiers: ClinVar variation 1334356 (VCV001334356.2), dbSNP rs2150357621, ClinGen allele CA364825213.

ClinVar aggregate classification (germline): Pathogenic (1 of 4 stars; one submission).

Submission:

GeneDx
Classification: Pathogenic. Last evaluated: 2022-01-12. Review status: criteria provided, single submitter. Criteria: GeneDx Variant Classification Process June 2021. Collection method: clinical testing. Allele origin: germline. Affected: yes.
Comment: Not observed at significant frequency in large population cohorts (gnomAD); In silico analysis supports that this missense variant has a deleterious effect on protein structure/function; Has not been previously published as pathogenic or benign to our knowledge; This variant is associated with the following publications: (PMID: 27535533)